The following is an entry in ClinVar:

ClinVar aggregate classification (germline): Uncertain significance (1 of 4 stars; one submission).

Submission:

GeneDx
Classification: Uncertain significance. Last evaluated: 2025-03-06. Review status: criteria provided, single submitter. Criteria: GeneDx Variant Classification Process June 2021. Collection method: clinical testing. Allele origin: germline. Affected: yes.
Comment: Not observed at significant frequency in large population cohorts (gnomAD); In silico analysis indicates that this missense variant does not alter protein structure/function; Has not been previously published as pathogenic or benign to our knowledge

NM_001204077.2(UBE4A):c.256C>T (p.His86Tyr)

Gene: UBE4A (ubiquitination factor E4A; plus strand). Cytogenetic location: 11q23.3.
Variant type: single nucleotide variant.
Coding change: c.256C>T on transcript NM_001204077.2 (MANE Select); coding-DNA position 256, C replaced by T.
Protein change: p.His86Tyr; replaces histidine 86 with tyrosine.
Molecular consequence: missense variant.
Genome position (GRCh38, 1-based): chr11:118,368,765, C>T. VCF-style: chr11-118368765-C-T. GRCh37 (hg19) VCF-style: chr11-118239480-C-T.
Other names: c.256C>T, p.His86Tyr (NM_004788.4); short protein forms H86Y.
Identifiers: ClinVar variation 4082752 (VCV004082752.1).
Genomic context (GRCh38, chr11:118,368,765, plus strand): 5'-GCTGAGATTAGCCGCTCATTCCGATCACAGCAGGAAATATGTGAGCAACTCAACATCAAT[C>T]ACATGATCCAAAGGATCTTCCTTATTACTCTGGACAACAGTGAGTTACAAACTTATAGCA-3'
Protein context (NP_001191006.1, residues 76-96): QEICEQLNIN[His86Tyr]MIQRIFLITL